The following is an entry in ClinVar:

NM_006206.6(PDGFRA):c.366A>G (p.Pro122=)

Gene: PDGFRA (platelet derived growth factor receptor alpha; plus strand). Cytogenetic location: 4q12.
Variant type: single nucleotide variant.
Coding change: c.366A>G on transcript NM_006206.6 (MANE Select); coding-DNA position 366, A replaced by G.
Protein change: p.Pro122=; no amino-acid change (proline 122 retained).
Molecular consequence: synonymous variant.
Genome position (GRCh38, 1-based): chr4:54,261,411, A>G. VCF-style: chr4-54261411-A-G. GRCh37 (hg19) VCF-style: chr4-55127578-A-G.
Other names: c.366A>G, p.Pro122= (NM_001347827.2, NM_001347829.2); c.441A>G, p.Pro147= (NM_001347828.2); c.405A>G, p.Pro135= (NM_001347830.2); c.366A>G (NM_006206.4).
Identifiers: ClinVar variation 1361032 (VCV001361032.6), dbSNP rs2110243783, ClinGen allele CA439285522.

ClinVar aggregate classification (germline): Conflicting classifications of pathogenicity. Review status: criteria provided, conflicting classifications (1 of 4 stars). 2 submissions from 2 submitters: Uncertain significance (1); Likely benign (1). Last evaluated 2025-11-23.

Conditions:
Gastrointestinal stromal tumor. Also called: Gastrointestinal stroma tumor; Gastrointestinal stromal tumor, somatic. Identifiers: Orphanet 44890, MedGen C0238198, MeSH D046152, MONDO:0011719, OMIM 606764, HP:0100723.
Hereditary cancer-predisposing syndrome. Also called: Tumor predisposition; Hereditary Cancer Syndrome; Hereditary neoplastic syndrome; Neoplastic Syndromes, Hereditary. Identifiers: Orphanet 140162, MedGen C0027672, MeSH D009386, MONDO:0015356.

Submissions (2):

Ambry Genetics
Classification: Likely benign for Hereditary cancer-predisposing syndrome. Last evaluated: 2025-11-23. Review status: criteria provided, single submitter. Criteria: Ambry Variant Classification Scheme 2023. Collection method: clinical testing. Allele origin: germline.

Labcorp Genetics (formerly Invitae), Labcorp
Classification: Uncertain significance for Gastrointestinal stromal tumor. Last evaluated: 2023-02-06. Review status: criteria provided, single submitter. Criteria: Invitae Variant Classification Sherloc (09022015). Collection method: clinical testing. Allele origin: germline.
Comment: This sequence change affects codon 122 of the PDGFRA mRNA. It is a 'silent' change, meaning that it does not change the encoded amino acid sequence of the PDGFRA protein. It affects a nucleotide within the consensus splice site. This variant is not present in population databases (gnomAD no frequency). This variant has not been reported in the literature in individuals affected with PDGFRA-related conditions. ClinVar contains an entry for this variant (Variation ID: 1361032). Algorithms developed to predict the effect of sequence changes on RNA splicing suggest that this variant is not likely to affect RNA splicing. In summary, the available evidence is currently insufficient to determine the role of this variant in disease. Therefore, it has been classified as a Variant of Uncertain Significance.